The following is an entry in ClinVar:

NM_002907.4(RECQL):c.1667+2T>A

Gene: RECQL (RecQ like helicase; minus strand). Cytogenetic location: 12p12.1.
Variant type: single nucleotide variant.
Coding change: c.1667+2T>A on transcript NM_002907.4 (MANE Select); the canonical splice donor site of the intron after coding-DNA position 1667, T replaced by A.
Molecular consequence: splice donor variant.
Genome position (GRCh38, 1-based): chr12:21,471,426, A>T on the plus strand (T>A on the coding strand, the complement: RECQL is on the minus strand). VCF-style: chr12-21471426-A-T. GRCh37 (hg19) VCF-style: chr12-21624360-A-T.
Other names: c.1667+2T>A (NM_032941.3).
Identifiers: ClinVar variation 1405215 (VCV001405215.9), dbSNP rs879752320, ClinGen allele CA233565162.

ClinVar aggregate classification (germline): Uncertain significance (1 of 4 stars; one submission).

Allele frequency attached by ClinVar (database versions not stated): gnomAD exomes below 0.00001.
gnomAD v4.1: 2 of 1,608,466 alleles (0.00012%); highest among the groups gnomAD compares: Non-Finnish European, 0.00017%; no homozygotes.

Submission:

Labcorp Genetics (formerly Invitae), Labcorp
Classification: Uncertain significance. Last evaluated: 2023-02-20. Review status: criteria provided, single submitter. Criteria: Invitae Variant Classification Sherloc (09022015). Collection method: clinical testing. Allele origin: germline.
Comment: In summary, the available evidence is currently insufficient to determine the role of this variant in disease. Therefore, it has been classified as a Variant of Uncertain Significance. Algorithms developed to predict the effect of sequence changes on RNA splicing suggest that this variant may disrupt the consensus splice site. ClinVar contains an entry for this variant (Variation ID: 1405215). This variant has not been reported in the literature in individuals affected with RECQL-related conditions. This variant is not present in population databases (gnomAD no frequency). This sequence change affects a donor splice site in intron 13 of the RECQL gene. It is expected to disrupt RNA splicing. Variants that disrupt the donor or acceptor splice site typically lead to a loss of protein function (PMID: 16199547), however the current clinical and genetic evidence is not sufficient to establish whether loss-of-function variants in RECQL cause disease.

Literature cited by the submitters: PubMed 16199547.